The following is an entry in ClinVar:

NM_007294.4(BRCA1):c.221A>G (p.Gln74Arg)

Gene: BRCA1 (BRCA1 DNA repair associated; minus strand). Cytogenetic location: 17q21.31.
Variant type: single nucleotide variant.
Coding change: c.221A>G on transcript NM_007294.4 (MANE Select); coding-DNA position 221, A replaced by G.
Protein change: p.Gln74Arg; replaces glutamine 74 with arginine.
Molecular consequence: missense variant. On other transcripts: non-coding transcript variant (1).
Genome position (GRCh38, 1-based): chr17:43,104,948, T>C on the plus strand (A>G on the coding strand, the complement: BRCA1 is on the minus strand). VCF-style: chr17-43104948-T-C. GRCh37 (hg19) VCF-style: chr17-41256965-T-C.
Other names: c.11A>G, p.Gln4Arg (NM_001407571.1, NM_001407853.1, NM_001407879.1 and 58 more transcripts); c.221A>G, p.Gln74Arg (NM_001407581.1, NM_001407582.1, NM_001407583.1 and 168 more transcripts); c.143A>G, p.Gln48Arg (NM_001407653.1, NM_001407654.1, NM_001407655.1 and 21 more transcripts); c.80A>G, p.Gln27Arg (NM_001407692.1, NM_001407694.1, NM_001407695.1 and 99 more transcripts); c.-161A>G (NM_001407959.1, NM_001407960.1, NM_001407962.1 and 4 more transcripts); c.89A>G, p.Gln30Arg (NM_001408451.1); short protein forms Q27R, Q74R, Q4R, Q30R, Q48R.
Identifiers: ClinVar variation 865575 (VCV000865575.3), dbSNP rs2054696806, ClinGen allele CA10601721.
Genomic context (GRCh38, chr17:43,104,948, plus strand): 5'-TGAAAAGCACAAATGATTTTCAATAGCTCTTCAACAAGTTGACTAAATCTCGTACTTTCT[T>C]GTAGGCTCCTGAAATTAAATTGTTTGAGAAACACACTCAGCAAGTGATTATCAACCTTTT-3'
Protein context (NP_009225.1, residues 64-84): CKNDITKRSL[Gln74Arg]ESTRFSQLVE

Conditions:
Breast-ovarian cancer, familial, susceptibility to, 1 (BROVCA1). Also called: BRCA1 Hereditary Breast and Ovarian Cancer; OVARIAN CANCER, SUSCEPTIBILITY TO. Identifiers: Orphanet 145, MedGen C2676676, MONDO:0011450, OMIM 604370. Disease mechanism: loss of function.

Submission:

Brotman Baty Institute, University of Washington
No classification provided (evidence only). Condition: Breast-ovarian cancer, familial 1. Review status: no classification provided. Collection method: in vitro. Allele origin: not applicable. Functional consequence: functionally_normal.
ClinVar note: "not provided" was previously submitted as the classification for the variant. However, the classification appeared to be based only on an observation of functional data so it was converted to no classification on 2025-07-30.